The following is an entry in ClinVar:

ClinVar aggregate classification (germline): Likely pathogenic. Review status: criteria provided, multiple submitters, no conflicts (2 of 4 stars). 2 submissions from 2 submitters: Likely pathogenic (2). Last evaluated 2023-10-13.

Conditions:
CRB1-related disorder. Also called: CRB1-related disorders; CRB1-related condition.
Leber congenital amaurosis 8 (LCA8). Identifiers: Orphanet 65, MedGen C3151202, MONDO:0013453, OMIM 613835.
Retinitis pigmentosa 12 (RP12). Also called: RP WITH OR WITHOUT PRESERVED PARAARTERIOLE RETINAL PIGMENT EPITHELIUM; RETINITIS PIGMENTOSA WITH OR WITHOUT PARAARTERIOLAR PRESERVATION OF RETINAL PIGMENT EPITHELIUM; RP WITH OR WITHOUT PPRPE. Identifiers: Orphanet 791, MedGen C1838647, MONDO:0010818, OMIM 600105.

Submissions (2):

Labcorp Genetics (formerly Invitae), Labcorp
Classification: Likely pathogenic for Leber congenital amaurosis 8; Retinitis pigmentosa 12. Last evaluated: 2023-10-13. Review status: criteria provided, single submitter. Criteria: Invitae Variant Classification Sherloc (09022015). Collection method: clinical testing. Allele origin: germline.
Comment: This sequence change replaces cysteine, which is neutral and slightly polar, with arginine, which is basic and polar, at codon 939 of the CRB1 protein (p.Cys939Arg). This variant is not present in population databases (gnomAD no frequency). This missense change has been observed in individual(s) with clinical features of retinitis pigmentosa (Invitae). ClinVar contains an entry for this variant (Variation ID: 1017521). Advanced modeling of protein sequence and biophysical properties (such as structural, functional, and spatial information, amino acid conservation, physicochemical variation, residue mobility, and thermodynamic stability) has been performed at Invitae for this missense variant, however the output from this modeling did not meet the statistical confidence thresholds required to predict the impact of this variant on CRB1 protein function. This variant disrupts the p.Cys939 amino acid residue in CRB1. Other variant(s) that disrupt this residue have been observed in individuals with CRB1-related conditions (PMID: 18055821, 26047050), which suggests that this may be a clinically significant amino acid residue. In summary, the currently available evidence indicates that the variant is pathogenic, but additional data are needed to prove that conclusively. Therefore, this variant has been classified as Likely Pathogenic.

Blueprint Genetics
Classification: Likely pathogenic for CRB1-related disorders. Last evaluated: 2022-09-28. Review status: criteria provided, single submitter. Criteria: ACMG Guidelines, 2015. Collection method: clinical testing. Allele origin: germline. Affected: yes. Observed: 1 variant allele.

Literature cited by the submitters: PubMed 18055821 (cited by Labcorp Genetics (formerly Invitae), Labcorp); PubMed 26047050 (cited by Labcorp Genetics (formerly Invitae), Labcorp).

NM_201253.3(CRB1):c.2815T>C (p.Cys939Arg)

Gene: CRB1 (crumbs cell polarity complex component 1; plus strand). Cytogenetic location: 1q31.3.
Variant type: single nucleotide variant.
Coding change: c.2815T>C on transcript NM_201253.3 (MANE Select); coding-DNA position 2815, T replaced by C.
Protein change: p.Cys939Arg; replaces cysteine 939 with arginine.
Molecular consequence: missense variant. On other transcripts: non-coding transcript variant (2), intron variant (1).
Genome position (GRCh38, 1-based): chr1:197,429,587, T>C. VCF-style: chr1-197429587-T-C. GRCh37 (hg19) VCF-style: chr1-197398717-T-C.
Other names: c.2479T>C, p.Cys827Arg (NM_001193640.2); c.2743T>C, p.Cys915Arg (NM_001257965.2); c.2129-6013T>C (NM_001257966.2); short protein forms C827R, C915R, C939R.
Identifiers: ClinVar variation 1017521 (VCV001017521.9), dbSNP rs1664775504, ClinGen allele CA344041301.